The following is an entry in ClinVar:

NM_001135146.2(SLC39A8):c.357del (p.His119fs)

Gene: SLC39A8 (solute carrier family 39 member 8; minus strand). Cytogenetic location: 4q24.
Variant type: Deletion.
Coding change: c.357del on transcript NM_001135146.2 (MANE Select); coding-DNA position 357, one base deleted (C; older notation c.357delC).
Protein change: p.His119fs; shifts the reading frame from histidine 119.
Molecular consequence: frameshift variant.
Genome position (GRCh38, 1-based): chr4:102,315,693, G deleted on the plus strand (C on the coding strand, the reverse complement: SLC39A8 is on the minus strand). VCF-style (leftmost placement, unchanged base first): chr4-102315692-TG-T. GRCh37 (hg19) VCF-style: chr4-103236849-TG-T.
Other names: c.357del, p.His119fs (NM_001135147.1, NM_022154.5); c.156del, p.His52fs (NM_001135148.2); c.357delC (NM_022154.5); short protein forms H119fs, H52fs.
Identifiers: ClinVar variation 426672 (VCV000426672.2), dbSNP rs1085307737, ClinGen allele CA645294032.

ClinVar aggregate classification (germline): Uncertain significance (1 of 4 stars; one submission).

Submission:

GeneDx
Classification: Uncertain significance. Last evaluated: 2017-04-07. Review status: criteria provided, single submitter. Criteria: GeneDx Variant Classification (06012015). Collection method: clinical testing. Allele origin: germline. Affected: yes.
Comment: The c.357delC variant in the SLC39A8 gene has been not been reported previously as a pathogenic variant nor as a benign variant, to our knowledge. The c.357delC variant is not observed in large population cohorts (Lek et al., 2016; 1000 Genomes Consortium et al., 2015; Exome Variant Server). The c.357delC variant causes a frameshift starting with codon Histidine 119, changes this amino acid to a Glutamine residue, and creates a premature Stop codon at position 18 of the new reading frame, denoted p.His119GlnfsX18. This variant is predicted to cause loss of normal protein function either through protein truncation or nonsense-mediated mRNA decay. However, no loss-of-function variants in SLC39A8 have been reported in the Human Gene Mutation Database (Stenson et al., 2014). Therefore, we interpret c.357delC as a variant of uncertain significance.